The following is an entry in ClinVar:

ClinVar aggregate classification (germline): Uncertain significance (1 of 4 stars; one submission).

Conditions:
Capillary malformation-arteriovenous malformation syndrome. Also called: Capillary malformation-arteriovenous malformation. Identifiers: Orphanet 137667, MedGen C1842180, MONDO:0012016.

Submission:

Labcorp Genetics (formerly Invitae), Labcorp
Classification: Uncertain significance for Capillary malformation-arteriovenous malformation syndrome. Last evaluated: 2025-12-19. Review status: criteria provided, single submitter. Criteria: Invitae Variant Classification Sherloc (09022015). Collection method: clinical testing. Allele origin: germline.
Comment: This sequence change replaces methionine, which is neutral and non-polar, with leucine, which is neutral and non-polar, at codon 2 of the RASA1 protein (p.Met2Leu). This variant is not present in population databases (gnomAD no frequency). This variant has not been reported in the literature in individuals affected with RASA1-related conditions. An algorithm developed to predict the effect of missense changes on protein structure and function (PolyPhen-2) suggests that this variant is likely to be tolerated. In summary, the available evidence is currently insufficient to determine the role of this variant in disease. Therefore, it has been classified as a Variant of Uncertain Significance.

NM_002890.3(RASA1):c.4A>C (p.Met2Leu)

Gene: RASA1 (RAS p21 protein activator 1; plus strand). Cytogenetic location: 5q14.3.
Variant type: single nucleotide variant.
Coding change: c.4A>C on transcript NM_002890.3 (MANE Select); coding-DNA position 4, A replaced by C.
Protein change: p.Met2Leu; replaces methionine 2 with leucine.
Molecular consequence: missense variant.
Genome position (GRCh38, 1-based): chr5:87,268,455, A>C. VCF-style: chr5-87268455-A-C. GRCh37 (hg19) VCF-style: chr5-86564272-A-C.
Other names: short protein forms M2L.
Identifiers: ClinVar variation 4696431 (VCV004696431.1).